The following is an entry in ClinVar:

NM_001003699.4(RREB1):c.2310C>G (p.Ile770Met)

Gene: RREB1 (ras responsive element binding protein 1; plus strand). Cytogenetic location: 6p24.3.
Variant type: single nucleotide variant.
Coding change: c.2310C>G on transcript NM_001003699.4 (MANE Select); coding-DNA position 2310, C replaced by G.
Protein change: p.Ile770Met; replaces isoleucine 770 with methionine.
Molecular consequence: missense variant.
Genome position (GRCh38, 1-based): chr6:7,230,409, C>G. VCF-style: chr6-7230409-C-G. GRCh37 (hg19) VCF-style: chr6-7230642-C-G.
Other names: c.2310C>G, p.Ile770Met (NM_001003698.4, NM_001003700.2, NM_001168344.2); short protein forms I770M.
Identifiers: ClinVar variation 790726 (VCV000790726.27), dbSNP rs555145261, ClinGen allele CA3625771.

ClinVar aggregate classification (germline): Benign/Likely benign. Review status: criteria provided, multiple submitters, no conflicts (2 of 4 stars). 2 submissions from 2 submitters: Benign (1); Likely benign (1). Last evaluated 2022-08-01.

Allele frequency attached by ClinVar (database versions not stated): gnomAD below 0.00001 and 0.00010; TOPMed 0.00002; ExAC 0.00036; gnomAD exomes 0.00037; 1000 Genomes Project 30x 0.00078; 1000 Genomes Project 0.00100.
gnomAD v4.1: 260 of 1,591,144 alleles (0.016%); highest among the groups gnomAD compares: South Asian, 0.28%; 1 homozygote.

Submissions (2):

CeGaT Center for Human Genetics Tuebingen
Classification: Benign. Last evaluated: 2022-08-01. Review status: criteria provided, single submitter. Criteria: CeGaT Center For Human Genetics Tuebingen Variant Classification Criteria Version 2. Collection method: clinical testing. Allele origin: germline. Affected: yes. Observed: 1 variant allele.
Comment: RREB1: BS1, BS2

Labcorp Genetics (formerly Invitae), Labcorp
Classification: Likely benign. Last evaluated: 2017-06-27. Review status: criteria provided, single submitter. Criteria: Invitae Variant Classification Sherloc (09022015). Collection method: clinical testing. Allele origin: germline.